The following is an entry in ClinVar:

ClinVar aggregate classification (germline): Uncertain significance (1 of 4 stars; one submission).

Allele frequency attached by ClinVar (database versions not stated): gnomAD exomes below 0.00001; ExAC 0.00001; gnomAD 0.00001; 1000 Genomes Project 30x 0.00016; 1000 Genomes Project 0.00020.

Submission:

Labcorp Genetics (formerly Invitae), Labcorp
Classification: Uncertain significance. Last evaluated: 2022-09-19. Review status: criteria provided, single submitter. Criteria: Invitae Variant Classification Sherloc (09022015). Collection method: clinical testing. Allele origin: germline.
Comment: This sequence change replaces valine, which is neutral and non-polar, with isoleucine, which is neutral and non-polar, at codon 907 of the ASXL1 protein (p.Val907Ile). In summary, the available evidence is currently insufficient to determine the role of this variant in disease. Therefore, it has been classified as a Variant of Uncertain Significance. Algorithms developed to predict the effect of missense changes on protein structure and function (SIFT, PolyPhen-2, Align-GVGD) all suggest that this variant is likely to be tolerated. This variant has not been reported in the literature in individuals affected with ASXL1-related conditions. This variant is present in population databases (rs201990697, gnomAD 0.006%).

NM_015338.6(ASXL1):c.2719G>A (p.Val907Ile)

Gene: ASXL1 (ASXL transcriptional regulator 1; plus strand). Cytogenetic location: 20q11.21.
Variant type: single nucleotide variant.
Coding change: c.2719G>A on transcript NM_015338.6 (MANE Select); coding-DNA position 2719, G replaced by A.
Protein change: p.Val907Ile; replaces valine 907 with isoleucine.
Molecular consequence: missense variant.
Genome position (GRCh38, 1-based): chr20:32,435,431, G>A. VCF-style: chr20-32435431-G-A. GRCh37 (hg19) VCF-style: chr20-31023234-G-A.
Other names: c.2536G>A, p.Val846Ile (NM_001363734.1); short protein forms V846I, V907I.
Identifiers: ClinVar variation 1719449 (VCV001719449.5), dbSNP rs201990697, ClinGen allele CA9808692.